The following is an entry in ClinVar:

NM_001195263.2(PDZD7):c.1101C>G (p.Asp367Glu)

Gene: PDZD7 (PDZ domain containing 7; minus strand). Cytogenetic location: 10q24.31.
Variant type: single nucleotide variant.
Coding change: c.1101C>G on transcript NM_001195263.2 (MANE Select); coding-DNA position 1101, C replaced by G.
Protein change: p.Asp367Glu; replaces aspartic acid 367 with glutamic acid.
Molecular consequence: missense variant.
Genome position (GRCh38, 1-based): chr10:101,019,045, G>C on the plus strand (C>G on the coding strand, the complement: PDZD7 is on the minus strand). VCF-style: chr10-101019045-G-C. GRCh37 (hg19) VCF-style: chr10-102778802-G-C.
Other names: c.1101C>G, p.Asp367Glu (NM_001351044.2, NM_024895.5); c.1101C>G (NM_001195263.1); short protein forms D367E.
Identifiers: ClinVar variation 2191110 (VCV002191110.3), dbSNP rs1324603673, ClinGen allele CA378228749.

ClinVar aggregate classification (germline): Uncertain significance. Review status: criteria provided, multiple submitters, no conflicts (2 of 4 stars). 3 submissions from 3 submitters: Uncertain significance (3). Last evaluated 2025-08-05.

Conditions:
Inborn genetic diseases. Identifiers: MedGen C0950123, MeSH D030342.

Allele frequency attached by ClinVar (database versions not stated): gnomAD 0.00002; TOPMed 0.00002; gnomAD exomes 0.00003.

Submissions (3):

Ambry Genetics
Classification: Uncertain significance for Inborn genetic diseases. Last evaluated: 2025-08-05. Review status: criteria provided, single submitter. Criteria: Ambry Variant Classification Scheme 2023. Collection method: clinical testing. Allele origin: germline.

Blueprint Genetics
Classification: Uncertain significance. Last evaluated: 2024-11-18. Review status: criteria provided, single submitter. Criteria: ACMG Guidelines, 2015. Collection method: clinical testing. Allele origin: germline.

Labcorp Genetics (formerly Invitae), Labcorp
Classification: Uncertain significance. Last evaluated: 2022-02-14. Review status: criteria provided, single submitter. Criteria: Invitae Variant Classification Sherloc (09022015). Collection method: clinical testing. Allele origin: germline.
Comment: This sequence change replaces aspartic acid, which is acidic and polar, with glutamic acid, which is acidic and polar, at codon 367 of the PDZD7 protein (p.Asp367Glu). The frequency data for this variant in the population databases is considered unreliable, as metrics indicate poor data quality at this position in the gnomAD database. This variant has not been reported in the literature in individuals affected with PDZD7-related conditions. Algorithms developed to predict the effect of missense changes on protein structure and function are either unavailable or do not agree on the potential impact of this missense change (SIFT: "Tolerated"; PolyPhen-2: "Not Available"; Align-GVGD: "Class C0"). In summary, the available evidence is currently insufficient to determine the role of this variant in disease. Therefore, it has been classified as a Variant of Uncertain Significance.